The following is an entry in ClinVar:

ClinVar aggregate classification (germline): Uncertain significance (1 of 4 stars; one submission).

Allele frequency attached by ClinVar (database versions not stated): gnomAD 0.00002; TOPMed 0.00001.
gnomAD v4.1: 8 of 1,558,064 alleles (0.00051%); highest among the groups gnomAD compares: Non-Finnish European, 0.00069%; no homozygotes.

Submission:

Labcorp Genetics (formerly Invitae), Labcorp
Classification: Uncertain significance. Last evaluated: 2025-10-13. Review status: criteria provided, single submitter. Criteria: Invitae Variant Classification Sherloc (09022015). Collection method: clinical testing. Allele origin: germline.
Comment: This sequence change replaces valine, which is neutral and non-polar, with methionine, which is neutral and non-polar, at codon 623 of the MKL1 protein (p.Val623Met). The frequency data for this variant in the population databases is considered unreliable, as metrics indicate poor data quality at this position in the gnomAD database. This variant has not been reported in the literature in individuals affected with MKL1-related conditions. ClinVar contains an entry for this variant (Variation ID: 2961926). An algorithm developed to predict the effect of missense changes on protein structure and function (PolyPhen-2) suggests that this variant is likely to be disruptive. In summary, the available evidence is currently insufficient to determine the role of this variant in disease. Therefore, it has been classified as a Variant of Uncertain Significance.

NM_020831.6(MRTFA):c.2167G>A (p.Val723Met)

Gene: MRTFA (myocardin related transcription factor A; minus strand). Cytogenetic location: 22q13.1.
Variant type: single nucleotide variant.
Coding change: c.2167G>A on transcript NM_020831.6 (MANE Select); coding-DNA position 2167, G replaced by A.
Protein change: p.Val723Met; replaces valine 723 with methionine.
Molecular consequence: missense variant.
Genome position (GRCh38, 1-based): chr22:40,418,571, C>T on the plus strand (G>A on the coding strand, the complement: MRTFA is on the minus strand). VCF-style: chr22-40418571-C-T. GRCh37 (hg19) VCF-style: chr22-40814575-C-T.
Other names: c.1867G>A, p.Val623Met (NM_001282660.2); c.2017G>A, p.Val673Met (NM_001282661.3); c.2167G>A, p.Val723Met (NM_001282662.3); c.1972G>A, p.Val658Met (NM_001318139.2); short protein forms V658M, V623M, V673M, V723M.
Identifiers: ClinVar variation 2961926 (VCV002961926.3), dbSNP rs776113097, ClinGen allele CA324467278.
Genomic context (GRCh38, chr22:40,418,571, plus strand): 5'-CCAGAAGCAACTGGGGGGCGGGGACCGGCTCGGGCTCAGGCTGCAAGGCTTCCTGCTTCA[C>T]CACCACGGACGGGGGCCCCGGGGCCACAGCACAAGGGTCTATGTGGTTGGTGGCTGGGGC-3'
Protein context (NP_065882.2, residues 713-733): AVAPGPPSVV[Val723Met]KQEALQPEPE